The following is an entry in ClinVar:

ClinVar aggregate classification (germline): Conflicting classifications of pathogenicity. Review status: criteria provided, conflicting classifications (1 of 4 stars). 2 submissions from 2 submitters: Pathogenic (1); Uncertain significance (1). Last evaluated 2024-11-19.

Conditions:
CLDN16-related disorder. Also called: CLDN16-related condition.
Primary hypomagnesemia (HOMG3). Also called: HYPOMAGNESEMIA 3, RENAL; HYPOMAGNESEMIA, FAMILIAL, WITH HYPERCALCIURIA AND NEPHROCALCINOSIS; HYPOMAGNESEMIA, ISOLATED RENAL; HYPOMAGNESEMIA, PRIMARY, DUE TO DEFECT IN RENAL TUBULAR TRANSPORT OF MAGNESIUM. Identifiers: Orphanet 31043, MedGen C0268448, MONDO:0009550, OMIM 248250.

gnomAD v4.1: 4 of 1,613,932 alleles (0.00025%); highest among the groups gnomAD compares: Non-Finnish European, 0.00034%; no homozygotes.

Submissions (2):

Blueprint Genetics
Classification: Pathogenic for CLDN16-related disorders. Last evaluated: 2024-11-19. Review status: criteria provided, single submitter. Criteria: ACMG Guidelines, 2015. Collection method: clinical testing. Allele origin: germline. Affected: yes. Observed: 5 variant alleles.

Neuberg Centre For Genomic Medicine, NCGM
Classification: Uncertain significance for Primary hypomagnesemia. Last evaluated: 2023-05-20. Review status: criteria provided, single submitter. Criteria: ACMG Guidelines, 2015. Collection method: clinical testing. Allele origin: germline. Inheritance: Autosomal recessive inheritance. Affected: yes.
Comment: The missense c.148T>C (p.Cys50Arg) variant in the CLDN16 gene has not been reported previously as a pathogenic variant nor as a benign variant, to our knowledge. This variant is absent in the gnomAD Exomes. The amino acid Cystine at position 50 is changed to a Arginine changing protein sequence and it might alter its composition and physico-chemical properties. Multiple lines of computational evidence (Polyphen - Damaging, SIFT – Damaging and MutationTaster - Disease causing) predict a damaging effect on protein structure and function for this variant. The reference amino acid (cystine) in CLDN16 is predicted as conserved by GERP++ and PhyloP across 100 vertebrates. For these reasons, this variant has been classified as Uncertain Significance.

NM_006580.4(CLDN16):c.148T>C (p.Cys50Arg)

Gene: CLDN16 (claudin 16; plus strand). Cytogenetic location: 3q28.
Variant type: single nucleotide variant.
Coding change: c.148T>C on transcript NM_006580.4 (MANE Select); coding-DNA position 148, T replaced by C.
Protein change: p.Cys50Arg; replaces cysteine 50 with arginine.
Molecular consequence: missense variant.
Genome position (GRCh38, 1-based): chr3:190,402,370, T>C. VCF-style: chr3-190402370-T-C. GRCh37 (hg19) VCF-style: chr3-190120159-T-C.
Other names: c.148T>C, p.Cys50Arg (NM_001378492.1, NM_001378493.1); short protein forms C50R.
Identifiers: ClinVar variation 3367125 (VCV003367125.2).